The following is an entry in ClinVar:

NM_032317.3(DNAJC30):c.393C>G (p.Pro131=)

Gene: DNAJC30 (DnaJ heat shock protein family (Hsp40) member C30; minus strand). Cytogenetic location: 7q11.23.
Variant type: single nucleotide variant.
Coding change: c.393C>G on transcript NM_032317.3 (MANE Select); coding-DNA position 393, C replaced by G.
Protein change: p.Pro131=; no amino-acid change (proline 131 retained).
Molecular consequence: synonymous variant.
Genome position (GRCh38, 1-based): chr7:73,683,031, G>C on the plus strand (C>G on the coding strand, the complement: DNAJC30 is on the minus strand). VCF-style: chr7-73683031-G-C. GRCh37 (hg19) VCF-style: chr7-73097361-G-C.
Identifiers: ClinVar variation 4085572 (VCV004085572.8).

ClinVar aggregate classification (germline): Likely benign (1 of 4 stars; one submission).

Submission:

CeGaT Center for Human Genetics Tuebingen
Classification: Likely benign. Last evaluated: 2025-07-01. Review status: criteria provided, single submitter. Criteria: CeGaT Center For Human Genetics Tuebingen Variant Classification Criteria Version 2. Collection method: clinical testing. Allele origin: germline. Affected: yes. Observed: 1 variant allele.
Comment: DNAJC30: BP4, BP7